The following is an entry in ClinVar:

ClinVar aggregate classification (germline): Uncertain significance. Review status: criteria provided, multiple submitters, no conflicts (2 of 4 stars). 2 submissions from 2 submitters: Uncertain significance (2). Last evaluated 2024-07-28.

Conditions:
Inborn genetic diseases. Identifiers: MedGen C0950123, MeSH D030342.

Allele frequency attached by ClinVar (database versions not stated): gnomAD exomes below 0.00001.
gnomAD v4.1: 1 of 1,613,998 alleles (0.000062%); highest among the groups gnomAD compares: East Asian, 0.0022%; no homozygotes.

Submissions (2):

Ambry Genetics
Classification: Uncertain significance for Inborn genetic diseases. Last evaluated: 2024-07-28. Review status: criteria provided, single submitter. Criteria: Ambry Variant Classification Scheme 2023. Collection method: clinical testing. Allele origin: germline.
Comment: The p.I2122M variant (also known as c.6366A>G), located in coding exon 38 of the ATR gene, results from an A to G substitution at nucleotide position 6366. The isoleucine at codon 2122 is replaced by methionine, an amino acid with highly similar properties. This amino acid position is conserved. In addition, this alteration is predicted to be tolerated by in silico analysis. Since supporting evidence is limited at this time, the clinical significance of this alteration remains unclear.

Labcorp Genetics (formerly Invitae), Labcorp
Classification: Uncertain significance. Last evaluated: 2024-04-15. Review status: criteria provided, single submitter. Criteria: Invitae Variant Classification Sherloc (09022015). Collection method: clinical testing. Allele origin: germline.
Comment: This sequence change replaces isoleucine, which is neutral and non-polar, with methionine, which is neutral and non-polar, at codon 2122 of the ATR protein (p.Ile2122Met). This variant is not present in population databases (gnomAD no frequency). This variant has not been reported in the literature in individuals affected with ATR-related conditions. ClinVar contains an entry for this variant (Variation ID: 1753075). An algorithm developed to predict the effect of missense changes on protein structure and function (PolyPhen-2) suggests that this variant is likely to be disruptive. In summary, the available evidence is currently insufficient to determine the role of this variant in disease. Therefore, it has been classified as a Variant of Uncertain Significance.

NM_001184.4(ATR):c.6366A>G (p.Ile2122Met)

Gene: ATR (ATR checkpoint kinase; minus strand). Cytogenetic location: 3q23.
Variant type: single nucleotide variant.
Coding change: c.6366A>G on transcript NM_001184.4 (MANE Select); coding-DNA position 6366, A replaced by G.
Protein change: p.Ile2122Met; replaces isoleucine 2122 with methionine.
Molecular consequence: missense variant.
Genome position (GRCh38, 1-based): chr3:142,469,523, T>C on the plus strand (A>G on the coding strand, the complement: ATR is on the minus strand). VCF-style: chr3-142469523-T-C. GRCh37 (hg19) VCF-style: chr3-142188365-T-C.
Other names: c.6174A>G, p.Ile2058Met (NM_001354579.2); short protein forms I2058M, I2122M.
Identifiers: ClinVar variation 1753075 (VCV001753075.6), dbSNP rs2473071310, ClinGen allele CA354805231.